The following is an entry in ClinVar:

ClinVar aggregate classification (germline): Likely benign. Review status: criteria provided, single submitter (1 of 4 stars). 3 submissions from 3 submitters: Likely benign (1). 2 of the submissions do not count toward it. Last evaluated 2026-07-01.

Allele frequency attached by ClinVar (database versions not stated): gnomAD 0.00017; gnomAD exomes 0.00019; TOPMed 0.00019; ExAC 0.00027; ESP Exome Variant Server 0.00028.
gnomAD v4.1: 230 of 1,210,842 alleles (0.019%); highest among the groups gnomAD compares: Middle Eastern, 0.46%; no homozygotes.

Submissions (3):

CeGaT Center for Human Genetics Tuebingen
Classification: Likely benign. Last evaluated: 2026-07-01. Review status: criteria provided, single submitter. Criteria: CeGaT Center For Human Genetics Tuebingen Variant Classification Criteria Version 2. Collection method: clinical testing. Allele origin: germline. Affected: yes. Observed: 2 variant alleles.
Comment: ELF4: BP4, BS2

Clinical Genetics DNA and cytogenetics Diagnostics Lab, Erasmus MC, Erasmus Medical Center
Classification: Likely benign. Review status: no assertion criteria provided. Collection method: clinical testing. Allele origin: germline. Affected: yes. Study: VKGL Data-share Consensus. Not counted in ClinVar's aggregate classification.

Genome Diagnostics Laboratory, University Medical Center Utrecht
Classification: Likely benign. Review status: no assertion criteria provided. Collection method: clinical testing. Allele origin: germline. Affected: yes. Study: VKGL Data-share Consensus. Not counted in ClinVar's aggregate classification.

NM_001421.4(ELF4):c.1144G>A (p.Val382Ile)

Gene: ELF4 (E74 like ETS transcription factor 4; minus strand). Cytogenetic location: Xq26.1.
Variant type: single nucleotide variant.
Coding change: c.1144G>A on transcript NM_001421.4 (MANE Select); coding-DNA position 1144, G replaced by A.
Protein change: p.Val382Ile; replaces valine 382 with isoleucine.
Molecular consequence: missense variant.
Genome position (GRCh38, 1-based): chrX:130,069,343, C>T on the plus strand (G>A on the coding strand, the complement: ELF4 is on the minus strand). VCF-style: chrX-130069343-C-T. GRCh37 (hg19) VCF-style: chrX-129203318-C-T.
Other names: c.1144G>A, p.Val382Ile (NM_001127197.2); short protein forms V382I.
Identifiers: ClinVar variation 1328021 (VCV001328021.6), dbSNP rs148953158, ClinGen allele CA10514988.